The following is an entry in ClinVar:

NM_017777.4(MKS1):c.858+21A>G

Gene: MKS1 (MKS transition zone complex subunit 1; minus strand). Cytogenetic location: 17q22.
Variant type: single nucleotide variant.
Coding change: c.858+21A>G on transcript NM_017777.4 (MANE Select); 21 bases into the intron after coding-DNA position 858, A replaced by G.
Molecular consequence: intron variant.
Genome position (GRCh38, 1-based): chr17:58,212,961, T>C on the plus strand (A>G on the coding strand, the complement: MKS1 is on the minus strand). VCF-style: chr17-58212961-T-C. GRCh37 (hg19) VCF-style: chr17-56290322-T-C.
Other names: p.?; c.249+21A>G (NM_001321268.2); c.858+21A>G (NM_001330397.2, NM_001321269.2, NM_001411113.1).
Identifiers: ClinVar variation 3380510 (VCV003380510.1).

ClinVar aggregate classification (germline): Uncertain significance (1 of 4 stars; one submission).

gnomAD v4.1: 43 of 1,607,494 alleles (0.0027%); highest among the groups gnomAD compares: African/African-American, 0.013%; no homozygotes.

Submission:

Mayo Clinic Laboratories, Mayo Clinic
Classification: Uncertain significance. Last evaluated: 2023-11-03. Review status: criteria provided, single submitter. Criteria: ACMG Guidelines, 2015. Collection method: clinical testing. Allele origin: germline. Observed: 1 variant allele.
Comment: PP3